The following is an entry in ClinVar:

NM_000334.4(SCN4A):c.5464C>T (p.Pro1822Ser)

Genes: GH-LCR (growth hormone locus control region; plus strand), SCN4A (sodium voltage-gated channel alpha subunit 4; minus strand). Cytogenetic location: 17q23.3.
Variant type: single nucleotide variant.
Coding change: c.5464C>T on transcript NM_000334.4 (MANE Select); coding-DNA position 5464, C replaced by T.
Protein change: p.Pro1822Ser; replaces proline 1822 with serine.
Molecular consequence: missense variant.
Genome position (GRCh38, 1-based): chr17:63,940,818, G>A on the plus strand (C>T on the coding strand, the complement: SCN4A is on the minus strand). VCF-style: chr17-63940818-G-A. GRCh37 (hg19) VCF-style: chr17-62018178-G-A.
Other names: short protein forms P1822S.
Identifiers: ClinVar variation 4762072 (VCV004762072.1).

ClinVar aggregate classification (germline): Uncertain significance (1 of 4 stars; one submission).

Conditions:
Hyperkalemic periodic paralysis. Also called: Familial hyperkalemic periodic paralysis; Gamstorp disease. Identifiers: Orphanet 682, MedGen C0238357, MONDO:0008224, OMIM 170500, HP:0007215.

Submission:

Labcorp Genetics (formerly Invitae), Labcorp
Classification: Uncertain significance for Hyperkalemic periodic paralysis. Last evaluated: 2026-01-14. Review status: criteria provided, single submitter. Criteria: Invitae Variant Classification Sherloc (09022015). Collection method: clinical testing. Allele origin: germline.
Comment: This sequence change replaces proline, which is neutral and non-polar, with serine, which is neutral and polar, at codon 1822 of the SCN4A protein (p.Pro1822Ser). This variant is not present in population databases (gnomAD no frequency). This variant has not been reported in the literature in individuals affected with SCN4A-related conditions. Invitae Evidence Modeling of protein sequence and biophysical properties (such as structural, functional, and spatial information, amino acid conservation, physicochemical variation, residue mobility, and thermodynamic stability) indicates that this missense variant is not expected to disrupt SCN4A protein function with a negative predictive value of 95%. In summary, the available evidence is currently insufficient to determine the role of this variant in disease. Therefore, it has been classified as a Variant of Uncertain Significance.